The following is an entry in ClinVar:

NM_052867.4(NALCN):c.3401T>C (p.Ile1134Thr)

Gene: NALCN (sodium leak channel, non-selective; minus strand). Cytogenetic location: 13q32.3.
Variant type: single nucleotide variant.
Coding change: c.3401T>C on transcript NM_052867.4 (MANE Select); coding-DNA position 3401, T replaced by C.
Protein change: p.Ile1134Thr; replaces isoleucine 1134 with threonine.
Molecular consequence: missense variant.
Genome position (GRCh38, 1-based): chr13:101,089,751, A>G on the plus strand (T>C on the coding strand, the complement: NALCN is on the minus strand). VCF-style: chr13-101089751-A-G. GRCh37 (hg19) VCF-style: chr13-101742102-A-G.
Other names: c.3488T>C, p.Ile1163Thr (NM_001350748.2); c.3401T>C, p.Ile1134Thr (NM_001350749.2); c.3314T>C, p.Ile1105Thr (NM_001350750.2, NM_001350751.2); short protein forms I1105T, I1134T, I1163T.
Identifiers: ClinVar variation 2413066 (VCV002413066.3), dbSNP rs2502041492, ClinGen allele CA388652789.

ClinVar aggregate classification (germline): Uncertain significance (1 of 4 stars; one submission).

Submission:

GeneDx
Classification: Uncertain significance. Last evaluated: 2022-07-24. Review status: criteria provided, single submitter. Criteria: GeneDx Variant Classification Process June 2021. Collection method: clinical testing. Allele origin: germline. Affected: yes.
Comment: Not observed at significant frequency in large population cohorts (gnomAD); In silico analysis supports that this missense variant has a deleterious effect on protein structure/function; Has not been previously published as pathogenic or benign to our knowledge